The following is an entry in ClinVar:

NM_014000.3(VCL):c.2056C>T (p.Pro686Ser)

Gene: VCL (vinculin; plus strand). Cytogenetic location: 10q22.2.
Variant type: single nucleotide variant.
Coding change: c.2056C>T on transcript NM_014000.3 (MANE Select); coding-DNA position 2056, C replaced by T.
Protein change: p.Pro686Ser; replaces proline 686 with serine.
Molecular consequence: missense variant.
Genome position (GRCh38, 1-based): chr10:74,103,853, C>T. VCF-style: chr10-74103853-C-T. GRCh37 (hg19) VCF-style: chr10-75863611-C-T.
Other names: c.2056C>T, p.Pro686Ser (NM_003373.4); short protein forms P686S.
Identifiers: ClinVar variation 1898709 (VCV001898709.5), dbSNP rs2549231539, ClinGen allele CA377261181.

ClinVar aggregate classification (germline): Uncertain significance (1 of 4 stars; one submission).

Conditions:
Dilated cardiomyopathy 1W (CMD1W). Identifiers: Orphanet 154, MedGen C1969639, MONDO:0012667, OMIM 611407.

Allele frequency attached by ClinVar (database versions not stated): gnomAD exomes below 0.00001.
gnomAD v4.1: 1 of 1,614,062 alleles (0.000062%); highest among the groups gnomAD compares: Non-Finnish European, 0.000085%; no homozygotes.

Submission:

Labcorp Genetics (formerly Invitae), Labcorp
Classification: Uncertain significance for Dilated cardiomyopathy 1W. Last evaluated: 2022-11-14. Review status: criteria provided, single submitter. Criteria: Invitae Variant Classification Sherloc (09022015). Collection method: clinical testing. Allele origin: germline.
Comment: This sequence change replaces proline, which is neutral and non-polar, with serine, which is neutral and polar, at codon 686 of the VCL protein (p.Pro686Ser). This variant is not present in population databases (gnomAD no frequency). This variant has not been reported in the literature in individuals affected with VCL-related conditions. Algorithms developed to predict the effect of missense changes on protein structure and function are either unavailable or do not agree on the potential impact of this missense change (SIFT: "Not Available"; PolyPhen-2: "Probably Damaging"; Align-GVGD: "Not Available"). In summary, the available evidence is currently insufficient to determine the role of this variant in disease. Therefore, it has been classified as a Variant of Uncertain Significance.